The following is an entry in ClinVar:

ClinVar aggregate classification (germline): Pathogenic. Review status: criteria provided, multiple submitters, no conflicts (2 of 4 stars). 2 submissions from 2 submitters: Pathogenic (2). Last evaluated 2025-01-14.

Conditions:
Hereditary nonpolyposis colorectal neoplasms. Identifiers: MedGen C0009405, MeSH D003123.
Lynch syndrome 5 (LYNCH5). Also called: Hereditary non-polyposis colorectal cancer, type 5; Colorectal cancer, hereditary nonpolyposis, type 5. Identifiers: Orphanet 144, MedGen C1833477, MONDO:0013710, OMIM 614350. Disease mechanism: loss of function.

Submissions (2):

Institute of Immunology and Genetics Kaiserslautern
Classification: Pathogenic for Lynch syndrome 5. Last evaluated: 2025-01-14. Review status: criteria provided, single submitter. Criteria: ACMG Guidelines, 2015. Collection method: clinical testing. Allele origin: germline. Affected: yes.
Comment: ACMG Criteria: PVS1, PM2, PP4; Variant was found in heterozygous state

Labcorp Genetics (formerly Invitae), Labcorp
Classification: Pathogenic for Hereditary nonpolyposis colorectal neoplasms. Last evaluated: 2018-11-19. Review status: criteria provided, single submitter. Criteria: Invitae Variant Classification Sherloc (09022015). Collection method: clinical testing. Allele origin: germline.
Comment: This variant has not been reported in the literature in individuals with MSH6-related disease. This variant disrupts the C-terminus of the MSH6 protein. Other variant(s) that disrupt this region (p.Leu1330Valfs*12) have been determined to be pathogenic (PMID: 14520694, 24440087, 19851887, 21155762). This suggests that variants that disrupt this region of the protein are likely to be causative of disease. For these reasons, this variant has been classified as Pathogenic. This variant is not present in population databases (ExAC no frequency). This sequence change results in a premature translational stop signal in the MSH6 gene (p.Lys1325Serfs*13). While this is not anticipated to result in nonsense mediated decay, it is expected to disrupt the last 36 amino acids of the MSH6 protein.

Literature cited by the submitters: PubMed 14520694 (cited by Labcorp Genetics (formerly Invitae), Labcorp); PubMed 24440087 (cited by Labcorp Genetics (formerly Invitae), Labcorp); PubMed 19851887 (cited by Labcorp Genetics (formerly Invitae), Labcorp); PubMed 21155762 (cited by Labcorp Genetics (formerly Invitae), Labcorp).

NM_000179.3(MSH6):c.3972_3979del (p.Lys1325fs)

Gene: MSH6 (mutS homolog 6; plus strand). Cytogenetic location: 2p16.3.
Variant type: Deletion.
Coding change: c.3972_3979del on transcript NM_000179.3 (MANE Select); coding-DNA positions 3972 to 3979, 8 bases deleted (GAAGATGA; older notation c.3972_3979delGAAGATGA).
Protein change: p.Lys1325fs; shifts the reading frame from lysine 1325.
Molecular consequence: frameshift variant.
Genome position (GRCh38, 1-based): chr2:47,806,622-47,806,629, GAAGATGA deleted; deleting any 8 consecutive bases within chr2:47,806,619-47,806,629 gives the same sequence; the c. name uses the placement nearest the transcript's 3' end. VCF-style (leftmost placement, unchanged base first): chr2-47806618-TTGAGAAGA-T. GRCh37 (hg19) VCF-style: chr2-48033757-TTGAGAAGA-T.
Other names: c.3582_3589del, p.Lys1195fs (NM_001281492.2); c.3066_3073del, p.Lys1023fs (NM_001281493.2, NM_001281494.2); c.3972_3979delGAAGATGA (NM_000179.2); short protein forms K1023fs, K1195fs, K1325fs.
Identifiers: ClinVar variation 665208 (VCV000665208.10), dbSNP rs1572747837, ClinGen allele CA915943984.
Genomic context (GRCh38, chr2:47,806,618, plus strand): 5'-CAAGGCTTGCTAATCTCCCAGAGGAAGTTATTCAAAAGGGACATAGAAAAGCAAGAGAAT[TTGAGAAGA>T]TGAATCAGTCACTACGATTATTTCGGTAACTAACTAACTATAATGGAATTATAACTAACT-3'